The following is an entry in ClinVar:

NM_006208.3(ENPP1):c.428C>G (p.Pro143Arg)

Gene: ENPP1 (ectonucleotide pyrophosphatase/phosphodiesterase 1; plus strand). Cytogenetic location: 6q23.2.
Variant type: single nucleotide variant.
Coding change: c.428C>G on transcript NM_006208.3 (MANE Select); coding-DNA position 428, C replaced by G.
Protein change: p.Pro143Arg; replaces proline 143 with arginine.
Molecular consequence: missense variant.
Genome position (GRCh38, 1-based): chr6:131,850,104, C>G. VCF-style: chr6-131850104-C-G. GRCh37 (hg19) VCF-style: chr6-132171244-C-G.
Other names: short protein forms P143R.
Identifiers: ClinVar variation 2972216 (VCV002972216.6), dbSNP rs371695495, ClinGen allele CA4001893.

ClinVar aggregate classification (germline): Uncertain significance. Review status: criteria provided, multiple submitters, no conflicts (2 of 4 stars). 4 submissions from 4 submitters: Uncertain significance (4). Last evaluated 2024-06-07.

Conditions:
Intellectual disability. Also called: Intellectual functioning disability; intellectual disabilities; Intellectual developmental disorder. Identifiers: MedGen C3714756, MeSH D008607, MONDO:0001071, HP:0001249.
Arterial calcification, generalized, of infancy, 1 (GACI1). Also called: Idiopathic Infantile Arterial Calcification. Identifiers: Orphanet 51608, MedGen C4551985, MONDO:0008817, OMIM 208000.
Hypophosphatemic rickets, autosomal recessive, 2 (ARHR2). Identifiers: Orphanet 289176, MedGen C2750078, MONDO:0013219, OMIM 613312.
Inherited obesity. Also called: Monogenic Obesity. Identifiers: Orphanet 77828, MedGen C4054476, MONDO:0019182, OMIM 601665.
Type 2 diabetes mellitus. Also called: Type II diabetes mellitus. Identifiers: MedGen C0011860, MeSH D003924, MONDO:0005148, OMIM 125853, HP:0005978.
Hypopigmentation-punctate palmoplantar keratoderma syndrome. Also called: GUTTATE HYPOPIGMENTATION AND PUNCTATE PALMOPLANTAR KERATODERMA WITH OR WITHOUT ECTOPIC CALCIFICATION; Cole disease. Identifiers: Orphanet 324561, MedGen C3809781, MONDO:0014227, OMIM 615522.

Allele frequency attached by ClinVar (database versions not stated): ExAC 0.00002; gnomAD 0.00003; TOPMed 0.00003; gnomAD exomes 0.00004; ESP Exome Variant Server 0.00008.
gnomAD v4.1: 63 of 1,597,002 alleles (0.0039%); highest among the groups gnomAD compares: Non-Finnish European, 0.0051%; no homozygotes.

Submissions (4):

Fulgent Genetics
Classification: Uncertain significance for Type 2 diabetes mellitus; Arterial calcification, generalized, of infancy, 1; Inherited obesity; Hypophosphatemic rickets, autosomal recessive, 2; Hypopigmentation-punctate palmoplantar keratoderma syndrome. Last evaluated: 2024-06-07. Review status: criteria provided, single submitter. Criteria: ACMG Guidelines, 2015. Collection method: clinical testing. Allele origin: germline.

Labcorp Genetics (formerly Invitae), Labcorp
Classification: Uncertain significance. Last evaluated: 2024-05-17. Review status: criteria provided, single submitter. Criteria: Invitae Variant Classification Sherloc (09022015). Collection method: clinical testing. Allele origin: germline.
Comment: This sequence change replaces proline, which is neutral and non-polar, with arginine, which is basic and polar, at codon 143 of the ENPP1 protein (p.Pro143Arg). This variant is present in population databases (rs371695495, gnomAD 0.006%). This variant has not been reported in the literature in individuals affected with ENPP1-related conditions. An algorithm developed to predict the effect of missense changes on protein structure and function (PolyPhen-2) suggests that this variant is likely to be disruptive. In summary, the available evidence is currently insufficient to determine the role of this variant in disease. Therefore, it has been classified as a Variant of Uncertain Significance.

Blueprint Genetics
Classification: Uncertain significance. Last evaluated: 2024-05-10. Review status: criteria provided, single submitter. Criteria: ACMG Guidelines, 2015. Collection method: clinical testing. Allele origin: germline.

Cambridge Genomics Laboratory, East Genomic Laboratory Hub, NHS Genomic Medicine Service
Classification: Uncertain significance for Intellectual disability. Last evaluated: 2019-12-03. Review status: criteria provided, single submitter. Criteria: ACGS Best Practice Guidelines for Variant Classification in Rare Disease 2020. Collection method: clinical testing. Allele origin: germline. Affected: yes. Observed: 1 variant allele.